The following is an entry in ClinVar:

NM_003601.4(SMARCA5):c.623G>A (p.Gly208Asp)

Gene: SMARCA5 (SNF2 related chromatin remodeling ATPase 5; plus strand). Cytogenetic location: 4q31.21.
Variant type: single nucleotide variant.
Coding change: c.623G>A on transcript NM_003601.4 (MANE Select); coding-DNA position 623, G replaced by A.
Protein change: p.Gly208Asp; replaces glycine 208 with aspartic acid.
Molecular consequence: missense variant.
Genome position (GRCh38, 1-based): chr4:143,526,282, G>A. VCF-style: chr4-143526282-G-A. GRCh37 (hg19) VCF-style: chr4-144447435-G-A.
Other names: short protein forms G208D.
Identifiers: ClinVar variation 4531930 (VCV004531930.1).
Genomic context (GRCh38, chr4:143,526,282, plus strand): 5'-TAATTGTGAAATAATATTTTCATTTTTCACTGCTTCATGGTTATTTTGAAATCTTTCAGG[G>A]CCTAGGAAAGACTCTTCAAACAATTTCTCTTCTTGGGTACATGAAACATTATAGAAACAT-3'
Protein context (NP_003592.3, residues 198-218): GINGILADEM[Gly208Asp]LGKTLQTISL

ClinVar aggregate classification (germline): Likely pathogenic (1 of 4 stars; one submission).

Conditions:
Neurodevelopmental disorder. Identifiers: MedGen C1535926, MeSH D065886, MONDO:0700092.

Submission:

Victorian Clinical Genetics Services, Murdoch Childrens Research Institute
Classification: Likely pathogenic for Neurodevelopmental disorder. Last evaluated: 2025-02-12. Review status: criteria provided, single submitter. Criteria: ACMG Guidelines, 2015. Collection method: clinical testing. Allele origin: germline. Affected: yes.
Comment: This variant is classified as Likely pathogenic. Evidence in support of pathogenic classification: Variant is absent from gnomAD (v2, v3 and v4); Missense variant in a region that is highly intolerant to missense variation (high constraint region in DECIPHER); Missense variant predicted to be damaging by in silico tool(s) or highly conserved with a major amino acid change; Additional information: Variant is predicted to result in a missense amino acid change from glycine to aspartic acid; This variant is heterozygous; This gene is associated with autosomal dominant disease; This variant has no previous evidence of pathogenicity; No published segregation evidence has been identified for this variant; No published functional evidence has been identified for this variant; Another missense variant(s) comparable to the one identified in this case has inconclusive previous evidence for pathogenicity. p.(Gly208Ser) has been classified as a VUS by a clinical laboratory in ClinVar; The mechanism of disease for this gene is not clearly established. However, the expression of human disease-causing variants did not rescue the various phenotypes observed in a knock-out animal model, therefore ruling out gain-of-function as a disease mechanism (PMID: 33980485).

Literature cited by the submitters: PubMed 33980485.